The following is an entry in ClinVar:

ClinVar aggregate classification (germline): Conflicting classifications of pathogenicity. Review status: criteria provided, conflicting classifications (1 of 4 stars). 2 submissions from 2 submitters: Uncertain significance (1); Likely benign (1). Last evaluated 2025-03-14.

Conditions:
Cardiovascular phenotype. Identifiers: MedGen CN230736.
Hereditary cancer-predisposing syndrome. Also called: Hereditary Cancer Syndrome; Tumor predisposition; Hereditary neoplastic syndrome; Neoplastic Syndromes, Hereditary. Identifiers: Orphanet 140162, MedGen C0027672, MeSH D009386, MONDO:0015356.

Submissions (2):

Ambry Genetics
Classification: Likely benign for Cardiovascular phenotype; Hereditary cancer-predisposing syndrome. Last evaluated: 2025-03-14. Review status: criteria provided, single submitter. Criteria: Ambry Variant Classification Scheme 2023. Collection method: clinical testing. Allele origin: germline.

Labcorp Genetics (formerly Invitae), Labcorp
Classification: Uncertain significance. Last evaluated: 2024-07-21. Review status: criteria provided, single submitter. Criteria: Invitae Variant Classification Sherloc (09022015). Collection method: clinical testing. Allele origin: germline.
Comment: This sequence change replaces tyrosine, which is neutral and polar, with phenylalanine, which is neutral and non-polar, at codon 352 of the LZTR1 protein (p.Tyr352Phe). This variant is not present in population databases (gnomAD no frequency). This variant has not been reported in the literature in individuals affected with LZTR1-related conditions. Advanced modeling of protein sequence and biophysical properties (such as structural, functional, and spatial information, amino acid conservation, physicochemical variation, residue mobility, and thermodynamic stability) performed at Invitae indicates that this missense variant is not expected to disrupt LZTR1 protein function with a negative predictive value of 80%. In summary, the available evidence is currently insufficient to determine the role of this variant in disease. Therefore, it has been classified as a Variant of Uncertain Significance.

NM_006767.4(LZTR1):c.1055A>T (p.Tyr352Phe)

Gene: LZTR1 (leucine zipper like post translational regulator 1; plus strand). Cytogenetic location: 22q11.21.
Variant type: single nucleotide variant.
Coding change: c.1055A>T on transcript NM_006767.4 (MANE Select); coding-DNA position 1055, A replaced by T.
Protein change: p.Tyr352Phe; replaces tyrosine 352 with phenylalanine.
Molecular consequence: missense variant.
Genome position (GRCh38, 1-based): chr22:20,992,275, A>T. VCF-style: chr22-20992275-A-T. GRCh37 (hg19) VCF-style: chr22-21346564-A-T.
Other names: c.1055A>T (NM_006767.3); short protein forms Y352F.
Identifiers: ClinVar variation 3660074 (VCV003660074.3).